The following is an entry in ClinVar:

NM_001182.5(ALDH7A1):c.1597del (p.Ala533fs)

Gene: ALDH7A1 (aldehyde dehydrogenase 7 family member A1; minus strand). Cytogenetic location: 5q23.2.
Variant type: Deletion.
Coding change: c.1597del on transcript NM_001182.5 (MANE Select); coding-DNA position 1597, one base deleted (G; older notation c.1597delG).
Protein change: p.Ala533fs; shifts the reading frame from alanine 533.
Molecular consequence: frameshift variant.
Genome position (GRCh38, 1-based): chr5:126,544,988, C deleted on the plus strand (G on the coding strand, the reverse complement: ALDH7A1 is on the minus strand); the first of 2 consecutive C bases (chr5:126,544,988-126,544,989); deleting either gives the same sequence. VCF-style (leftmost placement, unchanged base first): chr5-126544987-GC-G. GRCh37 (hg19) VCF-style: chr5-125880679-GC-G.
Other names: c.1513del, p.Ala505fs (NM_001201377.2); c.1405del, p.Ala469fs (NM_001202404.2); c.1597delG (NM_001182.5); short protein forms A469fs, A505fs, A533fs.
Identifiers: ClinVar variation 17999 (VCV000017999.68), dbSNP rs387906574, ClinGen allele CA258080.

ClinVar aggregate classification (germline): Pathogenic/Likely pathogenic. Review status: criteria provided, multiple submitters, no conflicts (2 of 4 stars). 6 submissions from 6 submitters: Pathogenic (2); Likely pathogenic (3). 1 of the submissions does not count toward it. Last evaluated 2024-08-21.

Conditions:
Pyridoxine-dependent epilepsy (EPEO4). Also called: Pyridoxine-Dependent Epilepsy - ALDH7A1; PYRIDOXINE DEPENDENCY WITH SEIZURES; Pyridoxine-Dependent Seizures; EPILEPSY, EARLY-ONSET, 4, VITAMIN B6-DEPENDENT. Identifiers: Orphanet 3006, MedGen C1849508, MONDO:0009945, OMIM 266100. Disease mechanism: loss of function.
Abnormality of the nervous system. Also called: Congenital nervous system disorder. Identifiers: MedGen C0497552, MONDO:0002320, HP:0000707.

Submissions (6):

Revvity Omics, Revvity
Classification: Likely pathogenic for Pyridoxine-dependent epilepsy. Last evaluated: 2024-08-21. Review status: criteria provided, single submitter. Criteria: ACMG Guidelines, 2015. Collection method: clinical testing. Allele origin: germline.

Labcorp Genetics (formerly Invitae), Labcorp
Classification: Pathogenic for Pyridoxine-dependent epilepsy. Last evaluated: 2024-03-15. Review status: criteria provided, single submitter. Criteria: Invitae Variant Classification Sherloc (09022015). Collection method: clinical testing. Allele origin: germline.
Comment: This sequence change results in a frameshift in the ALDH7A1 gene (p.Ala533Profs*18). While this is not anticipated to result in nonsense mediated decay, it is expected to disrupt the last 7 amino acid(s) of the ALDH7A1 protein and extend the protein by 10 additional amino acid residues. This variant is not present in population databases (gnomAD no frequency). This frameshift has been observed in individuals with pyridoxine-dependent epilepsy (PMID: 16491085, 27186704). It has also been observed to segregate with disease in related individuals. This variant is also known as 1512delG. ClinVar contains an entry for this variant (Variation ID: 17999). Algorithms developed to predict the effect of variants on protein structure and function are not available or were not evaluated for this variant. Experimental studies have shown that this frameshift affects ALDH7A1 function (PMID: 16491085). For these reasons, this variant has been classified as Pathogenic.

Genome-Nilou Lab
Classification: Likely pathogenic for Pyridoxine-dependent epilepsy. Last evaluated: 2023-04-11. Review status: criteria provided, single submitter. Criteria: ACMG Guidelines, 2015. Collection method: clinical testing. Allele origin: germline. Affected: no.

Kariminejad - Najmabadi Pathology & Genetics Center
Classification: Likely pathogenic for Abnormality of the nervous system. Last evaluated: 2021-07-10. Review status: criteria provided, single submitter. Criteria: ACMG Guidelines, 2015. Collection method: clinical testing. Allele origin: germline. Affected: yes.

CeGaT Center for Human Genetics Tuebingen
Classification: Pathogenic. Last evaluated: 2019-05-01. Review status: criteria provided, single submitter. Criteria: CeGaT Center For Human Genetics Tuebingen Variant Classification Criteria Version 2. Collection method: clinical testing. Allele origin: germline. Affected: yes. Observed: 1 variant allele.

OMIM
Classification: Pathogenic for EPILEPSY, EARLY-ONSET, 4, VITAMIN B6-DEPENDENT. Last evaluated: 2006-03-01. Review status: no assertion criteria provided. Collection method: literature only. Allele origin: germline. Not counted in ClinVar's aggregate classification.

Literature cited by the submitters: PubMed 16491085 (cited by Labcorp Genetics (formerly Invitae), Labcorp and OMIM); PubMed 27186704 (cited by Labcorp Genetics (formerly Invitae), Labcorp).